The following is an entry in ClinVar:

ClinVar aggregate classification (germline): Uncertain significance (1 of 4 stars; one submission).

Conditions:
Hereditary cancer-predisposing syndrome. Also called: Neoplastic Syndromes, Hereditary; Tumor predisposition; Hereditary Cancer Syndrome; Hereditary neoplastic syndrome. Identifiers: Orphanet 140162, MedGen C0027672, MeSH D009386, MONDO:0015356.

Submission:

Ambry Genetics
Classification: Uncertain significance for Hereditary cancer-predisposing syndrome. Last evaluated: 2025-07-16. Review status: criteria provided, single submitter. Criteria: Ambry Variant Classification Scheme 2023. Collection method: clinical testing. Allele origin: germline.
Comment: The p.D578A variant (also known as c.1733A>C), located in coding exon 18 of the RB1 gene, results from an A to C substitution at nucleotide position 1733. The aspartic acid at codon 578 is replaced by alanine, an amino acid with dissimilar properties. This amino acid position is conserved. In addition, the in silico prediction for this alteration is inconclusive. Based on the available evidence, the clinical significance of this variant remains unclear.

NM_000321.3(RB1):c.1733A>C (p.Asp578Ala)

Gene: RB1 (RB transcriptional corepressor 1; plus strand). Cytogenetic location: 13q14.2.
Variant type: single nucleotide variant.
Coding change: c.1733A>C on transcript NM_000321.3 (MANE Select); coding-DNA position 1733, A replaced by C.
Protein change: p.Asp578Ala; replaces aspartic acid 578 with alanine.
Molecular consequence: missense variant.
Genome position (GRCh38, 1-based): chr13:48,453,030, A>C. VCF-style: chr13-48453030-A-C. GRCh37 (hg19) VCF-style: chr13-49027166-A-C.
Other names: c.1733A>C, p.Asp578Ala (NM_001407165.1); short protein forms D578A.
Identifiers: ClinVar variation 4151199 (VCV004151199.1).